The following is an entry in ClinVar:

NM_001429.4(EP300):c.7222_7223del (p.Gln2408fs)

Gene: EP300 (EP300 lysine acetyltransferase; plus strand). Cytogenetic location: 22q13.2.
Variant type: Microsatellite.
Coding change: c.7222_7223del on transcript NM_001429.4 (MANE Select); coding-DNA positions 7222 to 7223, 2 bases deleted (CA; older notation c.7222_7223delCA).
Protein change: p.Gln2408fs; shifts the reading frame from glutamine 2408.
Molecular consequence: frameshift variant.
Genome position (GRCh38, 1-based): chr22:41,178,933-41,178,934, CA deleted; deleting any 2 consecutive bases within chr22:41,178,931-41,178,934 gives the same sequence; the c. name uses the placement nearest the transcript's 3' end. VCF-style (leftmost placement, unchanged base first): chr22-41178930-TCA-T. GRCh37 (hg19) VCF-style: chr22-41574934-TCA-T.
Other names: c.7144_7145del, p.Gln2382fs (NM_001362843.2); short protein forms Q2408fs, Q2382fs.
Identifiers: ClinVar variation 224785 (VCV000224785.2), dbSNP rs1057519375, ClinGen allele CA16044144.

ClinVar aggregate classification (germline): Pathogenic (1 of 4 stars; one submission).

Conditions:
Rubinstein-Taybi syndrome due to EP300 haploinsufficiency. Also called: EP300-Related Rubinstein-Taybi Syndrome; RUBINSTEIN-TAYBI SYNDROME 2. Identifiers: Orphanet 353284, Orphanet 783, MedGen C3150941, MONDO:0013364, OMIM 613684.

Submission:

Fundacion Rioja Salud, Center for Biomedical Research (CIBIR)
Classification: Pathogenic for Rubinstein-Taybi syndrome due to EP300 haploinsufficiency. Last evaluated: 2016-03-18. Review status: criteria provided, single submitter. Criteria: ACMG Guidelines, 2015. Collection method: research. Allele origin: inherited. Affected: yes.
Comment: Lead to Rubinstein-Taybi syndrome

Literature cited by the submitters: PubMed 27964710.